The following is an entry in ClinVar:

NC_000017.10:g.(?_29701011)_(29701193_?)dup

Gene: NF1 (neurofibromin 1; plus strand). Cytogenetic location: 17q11.2.
Variant type: Duplication.
Identifiers: ClinVar variation 643152 (VCV000643152.1).

ClinVar aggregate classification (germline): Uncertain significance (1 of 4 stars; one submission).

Conditions:
Neurofibromatosis, type 1 (NF1). Also called: NEUROFIBROMATOSIS, TYPE I, SOMATIC; VON RECKLINGHAUSEN DISEASE; Neurofibromatosis, type I; Peripheral type neurofibromatosis. Identifiers: Orphanet 636, MedGen C0027831, MONDO:0018975, OMIM 162200. Disease mechanism: loss of function.

Submission:

Labcorp Genetics (formerly Invitae), Labcorp
Classification: Uncertain significance for Neurofibromatosis, type 1. Last evaluated: 2018-08-22. Review status: criteria provided, single submitter. Criteria: Invitae Variant Classification Sherloc (09022015). Collection method: clinical testing. Allele origin: germline.
Comment: This variant results in a copy number gain of the genomic region encompassing exon 57 of the NF1 gene. The 5' boundary is likely confined to intron 56. The 3' end of this event is unknown as it extends beyond the assayed region for this gene and therefore may encompass additional genes. As the precise location of this event is unknown, it may be in tandem or it may be located elsewhere in the genome. A copy number gain of exon 57 has not been reported in the literature in individuals with NF1-related disease. Experimental studies and prediction algorithms are not available for this variant, and the functional significance of the duplicated exon is currently unknown. In summary, the available evidence is currently insufficient to determine the role of this variant in disease. Therefore, it has been classified as a Variant of Uncertain Significance.